The following is an entry in ClinVar:

ClinVar aggregate classification (germline): Uncertain significance (1 of 4 stars; one submission).

Allele frequency attached by ClinVar (database versions not stated): gnomAD exomes below 0.00001.

Submission:

Labcorp Genetics (formerly Invitae), Labcorp
Classification: Uncertain significance. Last evaluated: 2022-03-10. Review status: criteria provided, single submitter. Criteria: Invitae Variant Classification Sherloc (09022015). Collection method: clinical testing. Allele origin: germline.
Comment: In summary, the available evidence is currently insufficient to determine the role of this variant in disease. Therefore, it has been classified as a Variant of Uncertain Significance. Variants that disrupt the consensus splice site are a relatively common cause of aberrant splicing (PMID: 17576681, 9536098). Algorithms developed to predict the effect of sequence changes on RNA splicing suggest that this variant may disrupt the consensus splice site. This variant has not been reported in the literature in individuals affected with PSMA3-related conditions. This variant is not present in population databases (gnomAD no frequency). This sequence change falls in intron 10 of the PSMA3 gene. It does not directly change the encoded amino acid sequence of the PSMA3 protein. It affects a nucleotide within the consensus splice site.

Literature cited by the submitters: PubMed 17576681; PubMed 9536098.

NM_002788.4(PSMA3):c.723+4A>T

Genes: PSMA3 (proteasome 20S subunit alpha 3; plus strand), PSMA3-AS1 (PSMA3 antisense RNA 1; minus strand). Cytogenetic location: 14q23.1.
Variant type: single nucleotide variant.
Coding change: c.723+4A>T on transcript NM_002788.4 (MANE Select); 4 bases into the intron after coding-DNA position 723, A replaced by T.
Molecular consequence: intron variant.
Genome position (GRCh38, 1-based): chr14:58,271,002, A>T. VCF-style: chr14-58271002-A-T. GRCh37 (hg19) VCF-style: chr14-58737720-A-T.
Other names: c.702+4A>T (NM_152132.3).
Identifiers: ClinVar variation 2108244 (VCV002108244.4), dbSNP rs2502977139, ClinGen allele CA2580088256.